The following is an entry in ClinVar:

ClinVar aggregate classification (germline): Benign (1 of 4 stars; one submission).

gnomAD v4.1: 2,356 of 1,613,830 alleles (0.15%); highest among the groups gnomAD compares: Non-Finnish European, 0.19%; 3 homozygotes.

Submission:

CeGaT Center for Human Genetics Tuebingen
Classification: Benign. Last evaluated: 2026-02-01. Review status: criteria provided, single submitter. Criteria: CeGaT Center For Human Genetics Tuebingen Variant Classification Criteria Version 2. Collection method: clinical testing. Allele origin: germline. Affected: yes. Observed: 2 variant alleles.
Comment: USP25: BP4, BS1, BS2

NM_001283041.3(USP25):c.3139A>C (p.Lys1047Gln)

Gene: USP25 (ubiquitin specific peptidase 25; plus strand). Cytogenetic location: 21q21.1.
Variant type: single nucleotide variant.
Coding change: c.3139A>C on transcript NM_001283041.3 (MANE Select); coding-DNA position 3139, A replaced by C.
Protein change: p.Lys1047Gln; replaces lysine 1047 with glutamine.
Molecular consequence: missense variant.
Genome position (GRCh38, 1-based): chr21:15,877,925, A>C. VCF-style: chr21-15877925-A-C. GRCh37 (hg19) VCF-style: chr21-17250244-A-C.
Other names: c.3025A>C, p.Lys1009Gln (NM_001283042.3); c.2266A>C, p.Lys756Gln (NM_001352560.2, NM_001388299.1); c.1717A>C, p.Lys573Gln (NM_001352561.2, NM_001388300.1, NM_001388301.1); c.1708A>C, p.Lys570Gln (NM_001388302.1); c.2929A>C, p.Lys977Gln (NM_013396.6); short protein forms K1009Q, K1047Q, K570Q, K573Q, K756Q, K977Q.
Identifiers: ClinVar variation 4820739 (VCV004820739.4).